The following is an entry in ClinVar:

ClinVar aggregate classification (germline): Uncertain significance. Review status: criteria provided, multiple submitters, no conflicts (2 of 4 stars). 6 submissions from 6 submitters: Uncertain significance (4). 2 of the submissions do not count toward it. Last evaluated 2023-06-26.

Conditions:
Inborn genetic diseases. Identifiers: MedGen C0950123, MeSH D030342.
Emery-Dreifuss muscular dystrophy 4, autosomal dominant (EDMD4). Also called: EMERY-DREIFUSS MUSCULAR DYSTROPHY 4 WITH VARIABLE FEATURES. Identifiers: Orphanet 261, MedGen C2751807, MONDO:0013071, OMIM 612998.
Autosomal recessive ataxia, Beauce type. Also called: ATAXIA, RECESSIVE, OF BEAUCE; SYNE1 Deficiency; Spinocerebellar ataxia, autosomal recessive 8; SYNE1-Related Autosomal Recessive Cerebellar Ataxia. Identifiers: Orphanet 88644, MedGen C1853116, MONDO:0012549, OMIM 610743.

Allele frequency attached by ClinVar (database versions not stated): TOPMed 0.00005; gnomAD exomes 0.00006 and 0.00010; ExAC 0.00007; gnomAD 0.00007 and 0.00008.
gnomAD v4.1: 147 of 1,614,068 alleles (0.0091%); highest among the groups gnomAD compares: Non-Finnish European, 0.012%; no homozygotes.

Submissions (6):

Athena Diagnostics
Classification: Uncertain significance. Last evaluated: 2023-06-26. Review status: criteria provided, single submitter. Criteria: Athena Diagnostics Criteria. Collection method: clinical testing. Allele origin: unknown.
Comment: Available data are insufficient to determine the clinical significance of the variant at this time. The frequency of this variant in the general population is uninformative in assessment of its pathogenicity. Computational tools disagree on the variant's effect on normal protein function.

CeGaT Center for Human Genetics Tuebingen
Classification: Uncertain significance. Last evaluated: 2023-03-01. Review status: criteria provided, single submitter. Criteria: CeGaT Center For Human Genetics Tuebingen Variant Classification Criteria Version 2. Collection method: clinical testing. Allele origin: germline. Affected: yes. Observed: 1 variant allele.
Comment: SYNE1: PM2

Labcorp Genetics (formerly Invitae), Labcorp
Classification: Uncertain significance for Emery-Dreifuss muscular dystrophy 4, autosomal dominant; Autosomal recessive ataxia, Beauce type. Last evaluated: 2021-09-17. Review status: criteria provided, single submitter. Criteria: Invitae Variant Classification Sherloc (09022015). Collection method: clinical testing. Allele origin: germline.
Comment: This sequence change replaces glutamic acid with lysine at codon 3445 of the SYNE1 protein (p.Glu3445Lys). The glutamic acid residue is highly conserved and there is a small physicochemical difference between glutamic acid and lysine. This variant is present in population databases (rs550171329, ExAC 0.01%). This variant has not been reported in the literature in individuals affected with SYNE1-related conditions. Algorithms developed to predict the effect of missense changes on protein structure and function (SIFT, PolyPhen-2, Align-GVGD) all suggest that this variant is likely to be disruptive. In summary, the available evidence is currently insufficient to determine the role of this variant in disease. Therefore, it has been classified as a Variant of Uncertain Significance.

Ambry Genetics
Classification: Uncertain significance for Inborn genetic diseases. Last evaluated: 2021-09-14. Review status: criteria provided, single submitter. Criteria: Ambry Variant Classification Scheme 2023. Collection method: clinical testing. Allele origin: germline.

Clinical Genetics DNA and cytogenetics Diagnostics Lab, Erasmus MC, Erasmus Medical Center
Classification: Uncertain significance. Review status: no assertion criteria provided. Collection method: clinical testing. Allele origin: germline. Affected: yes. Study: VKGL Data-share Consensus. Not counted in ClinVar's aggregate classification.

Diagnostic Laboratory, Department of Genetics, University Medical Center Groningen
Classification: Uncertain significance. Review status: no assertion criteria provided. Collection method: clinical testing. Allele origin: germline. Affected: yes. Study: VKGL Data-share Consensus. Not counted in ClinVar's aggregate classification.

NM_182961.4(SYNE1):c.10312G>A (p.Glu3438Lys)

Gene: SYNE1 (spectrin repeat containing nuclear envelope protein 1; minus strand). Cytogenetic location: 6q25.2.
Variant type: single nucleotide variant.
Coding change: c.10312G>A on transcript NM_182961.4 (MANE Select); coding-DNA position 10312, G replaced by A.
Protein change: p.Glu3438Lys; replaces glutamic acid 3438 with lysine.
Molecular consequence: missense variant.
Genome position (GRCh38, 1-based): chr6:152,359,446, C>T on the plus strand (G>A on the coding strand, the complement: SYNE1 is on the minus strand). VCF-style: chr6-152359446-C-T. GRCh37 (hg19) VCF-style: chr6-152680581-C-T.
Other names: c.10312G>A (NM_182961.2); c.10333G>A, p.Glu3445Lys (NM_033071.5); c.10333G>A (NM_033071.3); short protein forms E3438K, E3445K.
Identifiers: ClinVar variation 1299894 (VCV001299894.35), dbSNP rs550171329, ClinGen allele CA4056983.